The following is an entry in ClinVar:

NM_000053.4(ATP7B):c.413T>A (p.Leu138Ter)

Gene: ATP7B (ATPase copper transporting beta; minus strand). Cytogenetic location: 13q14.3.
Variant type: single nucleotide variant.
Coding change: c.413T>A on transcript NM_000053.4 (MANE Select); coding-DNA position 413, T replaced by A.
Protein change: p.Leu138Ter; replaces leucine 138 with a stop codon.
Molecular consequence: nonsense.
Genome position (GRCh38, 1-based): chr13:51,974,807, A>T on the plus strand (T>A on the coding strand, the complement: ATP7B is on the minus strand). VCF-style: chr13-51974807-A-T. GRCh37 (hg19) VCF-style: chr13-52548943-A-T.
Other names: c.413T>A, p.Leu138Ter (NM_001005918.3, NM_001243182.2, NM_001330578.2 and 30 more transcripts); c.317T>A, p.Leu106Ter (NM_001406517.1, NM_001406518.1, NM_001406530.1 and 4 more transcripts); short protein forms L106*, L138*.
Identifiers: ClinVar variation 1724364 (VCV001724364.2), dbSNP rs2547823060, ClinGen allele CA388044071.
Genomic context (GRCh38, chr13:51,974,807, plus strand): 5'-ACACAGGACTGGCAGGTCATGCCCTCCACCCGGAGCTTGACCACAGCCTCCTGGGCAGGC[A>T]AGGACCTTGAGGGCCAGGAGGCTGCCTTTCCTTCTGCAATGCTGGCCTCGAAGCCCATGT-3'

ClinVar aggregate classification (germline): Likely pathogenic (1 of 4 stars; one submission).

Conditions:
Wilson disease (WND). Also called: Wilson's disease. Identifiers: Orphanet 905, MedGen C0019202, MONDO:0010200, OMIM 277900. Disease mechanism: loss of function.

Submission:

Myriad Genetics, Inc.
Classification: Likely pathogenic for Wilson disease. Last evaluated: 2022-02-11. Review status: criteria provided, single submitter. Criteria: Myriad Women's Health Autosomal Recessive and X-Linked Classification Criteria (2021). Collection method: clinical testing. Allele origin: unknown.
Comment: NM_000053.3(ATP7B):c.413T>A(L138*) is expected to be pathogenic in the context of Wilson disease. This variant is predicted to lead to an abnormal or absent protein product due to the creation of a premature termination codon in ATP7B, a gene where loss-of-function variants are known to be pathogenic. Please note: this variant was assessed in the context of healthy population screening.